The following is an entry in ClinVar:

NM_001370259.2(MEN1):c.1234C>T (p.His412Tyr)

Gene: MEN1 (menin 1; minus strand). Cytogenetic location: 11q13.1.
Variant type: single nucleotide variant.
Coding change: c.1234C>T on transcript NM_001370259.2 (MANE Select); coding-DNA position 1234, C replaced by T.
Protein change: p.His412Tyr; replaces histidine 412 with tyrosine.
Molecular consequence: missense variant.
Genome position (GRCh38, 1-based): chr11:64,805,150, G>A on the plus strand (C>T on the coding strand, the complement: MEN1 is on the minus strand). VCF-style: chr11-64805150-G-A. GRCh37 (hg19) VCF-style: chr11-64572622-G-A.
Other names: c.1249C>T, p.His417Tyr (NM_000244.4, NM_001407145.1, NM_130800.3 and 4 more transcripts); c.1360C>T, p.His454Tyr (NM_001370251.2, NM_001407142.1, NM_001407143.1 and 1 more transcripts); c.1234C>T, p.His412Tyr (NM_001370260.2, NM_001370261.2, NM_001407146.1 and 2 more transcripts); c.1129C>T, p.His377Tyr (NM_001370262.2, NM_001370263.2, NM_001407148.1 and 1 more transcripts); c.1375C>T, p.His459Tyr (NM_001407150.1); c.1255C>T, p.His419Tyr (NM_001407151.1); short protein forms H412Y, H377Y, H417Y, H419Y, H454Y, H459Y.
Identifiers: ClinVar variation 1943422 (VCV001943422.7), dbSNP rs2497145344, ClinGen allele CA381180617.
Genomic context (GRCh38, chr11:64,805,150, plus strand): 5'-GCACAGGCGTGGGACTGCCCTCCTCCCATTTGCAGATGCCGTCGTAGAATCGCAGCAGGT[G>A]GGCGAAGCACTCAGGGTCCTGGAGGGCGGAACCTTGGCTCTGGGTGCCCTGGACGAGGGG-3'
Protein context (NP_001357188.2, residues 402-422): SALQDPECFA[His412Tyr]LLRFYDGICK

ClinVar aggregate classification (germline): Uncertain significance. Review status: criteria provided, multiple submitters, no conflicts (2 of 4 stars). 3 submissions from 3 submitters: Uncertain significance (3). Last evaluated 2025-06-22.

Conditions:
Multiple endocrine neoplasia, type 1 (MEN1). Also called: MEN I; WERMER SYNDROME; Endocrine adenomatosis multiple; MEN 1; MEA I. Identifiers: Orphanet 652, MedGen C0025267, MeSH D018761, MONDO:0007540, OMIM 131100.
Hereditary cancer-predisposing syndrome. Also called: Neoplastic Syndromes, Hereditary; Hereditary neoplastic syndrome; Tumor predisposition; Hereditary Cancer Syndrome. Identifiers: Orphanet 140162, MedGen C0027672, MeSH D009386, MONDO:0015356.

Allele frequency attached by ClinVar (database versions not stated): gnomAD exomes below 0.00001.

Submissions (3):

Labcorp Genetics (formerly Invitae), Labcorp
Classification: Uncertain significance for Multiple endocrine neoplasia, type 1. Last evaluated: 2025-06-22. Review status: criteria provided, single submitter. Criteria: Invitae Variant Classification Sherloc (09022015). Collection method: clinical testing. Allele origin: germline.
Comment: This sequence change replaces histidine, which is basic and polar, with tyrosine, which is neutral and polar, at codon 412 of the MEN1 protein (p.His412Tyr). This variant is not present in population databases (gnomAD no frequency). This variant has not been reported in the literature in individuals affected with MEN1-related conditions. ClinVar contains an entry for this variant (Variation ID: 1943422). Invitae Evidence Modeling of protein sequence and biophysical properties (such as structural, functional, and spatial information, amino acid conservation, physicochemical variation, residue mobility, and thermodynamic stability) indicates that this missense variant is not expected to disrupt MEN1 protein function with a negative predictive value of 95%. In summary, the available evidence is currently insufficient to determine the role of this variant in disease. Therefore, it has been classified as a Variant of Uncertain Significance.

Ambry Genetics
Classification: Uncertain significance for Hereditary cancer-predisposing syndrome. Last evaluated: 2025-04-24. Review status: criteria provided, single submitter. Criteria: Ambry Variant Classification Scheme 2023. Collection method: clinical testing. Allele origin: germline.
Comment: The p.H412Y variant (also known as c.1234C>T), located in coding exon 8 of the MEN1 gene, results from a C to T substitution at nucleotide position 1234. The histidine at codon 412 is replaced by tyrosine, an amino acid with similar properties. This amino acid position is highly conserved in available vertebrate species. In addition, this alteration is predicted to be deleterious by in silico analysis. Based on the available evidence, the clinical significance of this variant remains unclear.

All of Us Research Program, National Institutes of Health
Classification: Uncertain significance for Multiple endocrine neoplasia, type 1. Last evaluated: 2024-08-30. Review status: criteria provided, single submitter. Criteria: ACMG Guidelines, 2015. Collection method: clinical testing. Allele origin: germline. Inheritance: Autosomal dominant inheritance. Observed: 1 variant allele, 1 heterozygote.
Comment: This study involves interpretation of variants in research participants for the purpose of population health screening. Participant phenotype was not available at the time of variant classification. Additional details can be found in publication PMID: 35346344, PMCID: PMC8962531